The following is an entry in ClinVar:

NM_005908.4(MANBA):c.1235G>A (p.Trp412Ter)

Gene: MANBA (mannosidase beta; minus strand). Cytogenetic location: 4q24.
Variant type: single nucleotide variant.
Coding change: c.1235G>A on transcript NM_005908.4 (MANE Select); coding-DNA position 1235, G replaced by A.
Protein change: p.Trp412Ter; replaces tryptophan 412 with a stop codon.
Molecular consequence: nonsense.
Genome position (GRCh38, 1-based): chr4:102,669,045, C>T on the plus strand (G>A on the coding strand, the complement: MANBA is on the minus strand). VCF-style: chr4-102669045-C-T. GRCh37 (hg19) VCF-style: chr4-103590202-C-T.
Other names: short protein forms W412*.
Identifiers: ClinVar variation 2910771 (VCV002910771.3), dbSNP rs1267827826, ClinGen allele CA357762260.

ClinVar aggregate classification (germline): Pathogenic (1 of 4 stars; one submission).

Conditions:
Beta-D-mannosidosis (MANSB). Also called: MANNOSIDOSIS, BETA A, LYSOSOMAL; BETA-MANNOSIDASE DEFICIENCY; LYSOSOMAL BETA-MANNOSIDASE DEFICIENCY; Beta-Mannosidosis. Identifiers: Orphanet 118, MedGen C4048196, MONDO:0009562, OMIM 248510.

Allele frequency attached by ClinVar (database versions not stated): gnomAD exomes below 0.00001.
gnomAD v4.1: 2 of 1,610,826 alleles (0.00012%); highest among the groups gnomAD compares: Non-Finnish European, 0.00017%; no homozygotes.

Submission:

Labcorp Genetics (formerly Invitae), Labcorp
Classification: Pathogenic for Beta-D-mannosidosis. Last evaluated: 2023-10-28. Review status: criteria provided, single submitter. Criteria: Invitae Variant Classification Sherloc (09022015). Collection method: clinical testing. Allele origin: germline.
Comment: This sequence change creates a premature translational stop signal (p.Trp412*) in the MANBA gene. It is expected to result in an absent or disrupted protein product. Loss-of-function variants in MANBA are known to be pathogenic (PMID: 9384606, 12468273). This variant is present in population databases (no rsID available, gnomAD 0.0009%). This variant has not been reported in the literature in individuals affected with MANBA-related conditions. Algorithms developed to predict the effect of sequence changes on RNA splicing suggest that this variant may disrupt the consensus splice site. For these reasons, this variant has been classified as Pathogenic.

Literature cited by the submitters: PubMed 9384606; PubMed 12468273.